The following is an entry in ClinVar:

NM_032043.3(BRIP1):c.2517G>A (p.Trp839Ter)

Gene: BRIP1 (BRCA1 interacting DNA helicase 1; minus strand). Cytogenetic location: 17q23.2.
Variant type: single nucleotide variant.
Coding change: c.2517G>A on transcript NM_032043.3 (MANE Select); coding-DNA position 2517, G replaced by A.
Protein change: p.Trp839Ter; replaces tryptophan 839 with a stop codon.
Molecular consequence: nonsense.
Genome position (GRCh38, 1-based): chr17:61,693,488, C>T on the plus strand (G>A on the coding strand, the complement: BRIP1 is on the minus strand). VCF-style: chr17-61693488-C-T. GRCh37 (hg19) VCF-style: chr17-59770849-C-T.
Other names: short protein forms W839*.
Identifiers: ClinVar variation 530297 (VCV000530297.26), dbSNP rs1555574803, ClinGen allele CA400482454.

ClinVar aggregate classification (germline): Pathogenic. Review status: criteria provided, multiple submitters, no conflicts (2 of 4 stars). 3 submissions from 3 submitters: Pathogenic (2). 1 of the submissions does not count toward it. Last evaluated 2023-06-07.

Conditions:
Familial cancer of breast. Also called: hereditary breast carcinoma; Hereditary breast cancer; BREAST CANCER, FAMILIAL. Identifiers: Orphanet 227535, MedGen C0346153, MONDO:0016419, OMIM 114480. Disease mechanism: loss of function.
Fanconi anemia complementation group J. Also called: BRIP1-Related Fanconi Anemia. Identifiers: Orphanet 84, MedGen C1836860, MONDO:0012187, OMIM 609054.
Gastric cancer. Also called: Stomach cancer; Malignant tumor of stomach. Identifiers: MedGen C0024623, MeSH D013274, MONDO:0001056, OMIM 613659, HP:0012126.

Allele frequency attached by ClinVar (database versions not stated): TOPMed below 0.00001.

Submissions (3):

Myriad Genetics, Inc.
Classification: Pathogenic for Familial cancer of breast. Last evaluated: 2023-06-07. Review status: criteria provided, single submitter. Criteria: Myriad Autosomal Dominant, Autosomal Recessive and X-Linked Classification Criteria (2023). Collection method: clinical testing. Allele origin: unknown.
Comment: This variant is considered pathogenic. This variant creates a termination codon and is predicted to result in premature protein truncation.

Labcorp Genetics (formerly Invitae), Labcorp
Classification: Pathogenic for Familial cancer of breast; Fanconi anemia complementation group J. Last evaluated: 2022-02-20. Review status: criteria provided, single submitter. Criteria: Invitae Variant Classification Sherloc (09022015). Collection method: clinical testing. Allele origin: germline.
Comment: For these reasons, this variant has been classified as Pathogenic. ClinVar contains an entry for this variant (Variation ID: 530297). This variant has not been reported in the literature in individuals affected with BRIP1-related conditions. This variant is not present in population databases (gnomAD no frequency). This sequence change creates a premature translational stop signal (p.Trp839*) in the BRIP1 gene. It is expected to result in an absent or disrupted protein product. Loss-of-function variants in BRIP1 are known to be pathogenic (PMID: 16116423, 17033622, 21964575).

Laboratory for Genotyping Development, RIKEN
Classification: Pathogenic for Gastric cancer. Last evaluated: 2021-07-01. Review status: no assertion criteria provided. Collection method: research. Allele origin: germline. Not counted in ClinVar's aggregate classification.

Literature cited by the submitters: PubMed 16116423 (cited by Labcorp Genetics (formerly Invitae), Labcorp); PubMed 17033622 (cited by Labcorp Genetics (formerly Invitae), Labcorp); PubMed 21964575 (cited by Labcorp Genetics (formerly Invitae), Labcorp); PubMed 36988593 (cited by Laboratory for Genotyping Development, RIKEN).